The following is an entry in ClinVar:

NM_000059.4(BRCA2):c.37G>A (p.Glu13Lys)

Gene: BRCA2 (BRCA2 DNA repair associated; plus strand). Cytogenetic location: 13q13.1.
Variant type: single nucleotide variant.
Coding change: c.37G>A on transcript NM_000059.4 (MANE Select); coding-DNA position 37, G replaced by A.
Protein change: p.Glu13Lys; replaces glutamic acid 13 with lysine.
Molecular consequence: missense variant.
Genome position (GRCh38, 1-based): chr13:32,316,497, G>A. VCF-style: chr13-32316497-G-A. GRCh37 (hg19) VCF-style: chr13-32890634-G-A.
Other names: short protein forms E13K.
Identifiers: ClinVar variation 418560 (VCV000418560.18), dbSNP rs80358622, ClinGen allele CA16619632.

ClinVar aggregate classification (germline): Conflicting classifications of pathogenicity. Review status: criteria provided, conflicting classifications (1 of 4 stars). 6 submissions from 6 submitters: Uncertain significance (5); Likely benign (1). Last evaluated 2025-02-21.

Conditions:
Familial cancer of breast. Also called: Hereditary breast cancer; BREAST CANCER, FAMILIAL; hereditary breast carcinoma. Identifiers: Orphanet 227535, MedGen C0346153, MONDO:0016419, OMIM 114480. Disease mechanism: loss of function.
Hereditary breast ovarian cancer syndrome. Also called: Hereditary breast and ovarian cancer; Hereditary breast and/or ovarian cancer syndrome; Hereditary breast and ovarian cancer syndrome; Hereditary breast and ovarian cancer syndrome (HBOC); Breast and ovarian cancer; BRCA1- and BRCA2-Associated Hereditary Breast and Ovarian Cancer. Identifiers: Orphanet 145, MedGen C0677776, MeSH D061325, MONDO:0003582. Disease mechanism: loss of function.
Hereditary cancer-predisposing syndrome. Also called: Hereditary neoplastic syndrome; Tumor predisposition; Neoplastic Syndromes, Hereditary; Hereditary Cancer Syndrome. Identifiers: Orphanet 140162, MedGen C0027672, MeSH D009386, MONDO:0015356.

Allele frequency attached by ClinVar (database versions not stated): gnomAD exomes below 0.00001; TOPMed below 0.00001.
gnomAD v4.1: 1 of 1,613,968 alleles (0.000062%); highest among the groups gnomAD compares: African/African-American, 0.0013%; no homozygotes.

Submissions (6):

Labcorp Genetics (formerly Invitae), Labcorp
Classification: Uncertain significance for Hereditary breast ovarian cancer syndrome. Last evaluated: 2025-02-21. Review status: criteria provided, single submitter. Criteria: Invitae Variant Classification Sherloc (09022015). Collection method: clinical testing. Allele origin: germline.
Comment: This sequence change replaces glutamic acid, which is acidic and polar, with lysine, which is basic and polar, at codon 13 of the BRCA2 protein (p.Glu13Lys). This variant is not present in population databases (gnomAD no frequency). This variant has not been reported in the literature in individuals affected with BRCA2-related conditions. ClinVar contains an entry for this variant (Variation ID: 418560). Invitae Evidence Modeling of protein sequence and biophysical properties (such as structural, functional, and spatial information, amino acid conservation, physicochemical variation, residue mobility, and thermodynamic stability) indicates that this missense variant is not expected to disrupt BRCA2 protein function with a negative predictive value of 95%. In summary, the available evidence is currently insufficient to determine the role of this variant in disease. Therefore, it has been classified as a Variant of Uncertain Significance.

Ambry Genetics
Classification: Likely benign for Hereditary cancer-predisposing syndrome. Last evaluated: 2024-04-03. Review status: criteria provided, single submitter. Criteria: Ambry Variant Classification Scheme 2023. Collection method: clinical testing. Allele origin: germline.

Baylor Genetics
Classification: Uncertain significance for Familial cancer of breast. Last evaluated: 2023-05-31. Review status: criteria provided, single submitter. Criteria: ACMG Guidelines, 2015. Collection method: clinical testing. Allele origin: unknown.

GeneDx
Classification: Uncertain significance. Last evaluated: 2022-06-02. Review status: criteria provided, single submitter. Criteria: GeneDx Variant Classification Process June 2021. Collection method: clinical testing. Allele origin: germline. Affected: yes.
Comment: Not observed at significant frequency in large population cohorts (gnomAD); In silico analysis supports that this missense variant does not alter protein structure/function; Has not been previously published as pathogenic or benign to our knowledge; Also known as 265G>A

Women's Health and Genetics/Laboratory Corporation of America, LabCorp
Classification: Uncertain significance. Last evaluated: 2021-05-01. Review status: criteria provided, single submitter. Criteria: LabCorp Variant Classification Summary - May 2015. Collection method: clinical testing. Allele origin: germline.
Comment: Variant summary: BRCA2 c.37G>A (p.Glu13Lys) results in a conservative amino acid change in the encoded protein sequence. Three of five in-silico tools predict a damaging effect of the variant on protein function. The variant was absent in 251372 control chromosomes. The available data on variant occurrences in the general population are insufficient to allow any conclusion about variant significance. To our knowledge, no occurrence of c.37G>A in individuals affected with Hereditary Breast And Ovarian Cancer Syndrome and no experimental evidence demonstrating its impact on protein function have been reported. Four clinical diagnostic laboratories have submitted clinical-significance assessments for this variant to ClinVar after 2014 without evidence for independent evaluation. All laboratories classified the variant as uncertain significance. Based on the evidence outlined above, the variant was classified as uncertain significance.

Color Diagnostics, LLC DBA Color Health
Classification: Uncertain significance for Hereditary cancer-predisposing syndrome. Last evaluated: 2019-06-19. Review status: criteria provided, single submitter. Criteria: ACMG Guidelines, 2015. Collection method: clinical testing. Allele origin: germline.